The following is an entry in ClinVar:

ClinVar aggregate classification (germline): Benign. Review status: criteria provided, single submitter (1 of 4 stars). 2 submissions from 2 submitters: Benign (1). 1 of the submissions does not count toward it.

Allele frequency attached by ClinVar (database versions not stated): gnomAD exomes 0.61623 and 0.63611; ExAC 0.63363; ESP Exome Variant Server 0.65085; gnomAD 0.65388 and 0.65499; TOPMed 0.66699; 1000 Genomes Project 0.67372; 1000 Genomes Project 30x 0.67848.
gnomAD v4.1: 1,000,380 of 1,613,730 alleles (62%); highest among the groups gnomAD compares: African/African-American, 74%; 311,825 homozygotes.

Submissions (2):

Breakthrough Genomics
Classification: Benign. Review status: criteria provided, single submitter. Criteria: ACMG Guidelines, 2015. Collection method: not provided. Allele origin: germline. Inheritance: Autosomal dominant inheritance. Affected: yes.

Genetic Services Laboratory, University of Chicago
Classification: Likely benign for AllHighlyPenetrant. Review status: no assertion criteria provided. Collection method: clinical testing. Allele origin: germline. Inheritance: Autosomal dominant inheritance. Not counted in ClinVar's aggregate classification.
Comment: Likely benign based on allele frequency in 1000 Genomes Project or ESP global frequency and its presence in a patient with a rare or unrelated disease phenotype. NOT Sanger confirmed.

NM_006392.4(NOP56):c.1035T>C (p.Thr345=)

Gene: NOP56 (NOP56 ribonucleoprotein; plus strand). Cytogenetic location: 20p13.
Variant type: single nucleotide variant.
Coding change: c.1035T>C on transcript NM_006392.4 (MANE Select); coding-DNA position 1035, T replaced by C.
Protein change: p.Thr345=; no amino-acid change (threonine 345 retained).
Molecular consequence: synonymous variant. On other transcripts: non-coding transcript variant (2).
Genome position (GRCh38, 1-based): chr20:2,656,425, T>C. VCF-style: chr20-2656425-T-C. GRCh37 (hg19) VCF-style: chr20-2637071-T-C.
Identifiers: ClinVar variation 129806 (VCV000129806.7), dbSNP rs8958, ClinGen allele CA154128.